The following is an entry in ClinVar:

NM_002485.5(NBN):c.1393A>G (p.Lys465Glu)

Gene: NBN (nibrin; minus strand). Cytogenetic location: 8q21.3.
Variant type: single nucleotide variant.
Coding change: c.1393A>G on transcript NM_002485.5 (MANE Select); coding-DNA position 1393, A replaced by G.
Protein change: p.Lys465Glu; replaces lysine 465 with glutamic acid.
Molecular consequence: missense variant.
Genome position (GRCh38, 1-based): chr8:89,955,287, T>C on the plus strand (A>G on the coding strand, the complement: NBN is on the minus strand). VCF-style: chr8-89955287-T-C. GRCh37 (hg19) VCF-style: chr8-90967515-T-C.
Other names: c.1147A>G, p.Lys383Glu (NM_001024688.3); short protein forms K383E, K465E.
Identifiers: ClinVar variation 1771581 (VCV001771581.5), dbSNP rs1563530658, ClinGen allele CA371655957.

ClinVar aggregate classification (germline): Uncertain significance. Review status: criteria provided, multiple submitters, no conflicts (2 of 4 stars). 2 submissions from 2 submitters: Uncertain significance (2). Last evaluated 2023-07-31.

Conditions:
Microcephaly, normal intelligence and immunodeficiency (NBS). Also called: IMMUNODEFICIENCY, MICROCEPHALY, AND CHROMOSOMAL INSTABILITY; SEEMANOVA SYNDROME II; Nijmegen breakage syndrome; Microcephaly with normal intelligence immunodeficiency and lymphoreticular malignancies; Nonsyndromal microcephaly autosomal recessive with normal intelligence; Seemanova syndrome 2. Identifiers: Orphanet 647, MedGen C0398791, MONDO:0009623, OMIM 251260.
Hereditary cancer-predisposing syndrome. Also called: Tumor predisposition; Neoplastic Syndromes, Hereditary; Hereditary Cancer Syndrome; Hereditary neoplastic syndrome. Identifiers: Orphanet 140162, MedGen C0027672, MeSH D009386, MONDO:0015356.

Allele frequency attached by ClinVar (database versions not stated): gnomAD exomes below 0.00001.

Submissions (2):

Labcorp Genetics (formerly Invitae), Labcorp
Classification: Uncertain significance for Microcephaly, normal intelligence and immunodeficiency. Last evaluated: 2023-07-31. Review status: criteria provided, single submitter. Criteria: Invitae Variant Classification Sherloc (09022015). Collection method: clinical testing. Allele origin: germline.
Comment: In summary, the available evidence is currently insufficient to determine the role of this variant in disease. Therefore, it has been classified as a Variant of Uncertain Significance. An algorithm developed to predict the effect of missense changes on protein structure and function (PolyPhen-2) suggests that this variant is likely to be disruptive. ClinVar contains an entry for this variant (Variation ID: 1771581). This variant has not been reported in the literature in individuals affected with NBN-related conditions. This variant is not present in population databases (gnomAD no frequency). This sequence change replaces lysine, which is basic and polar, with glutamic acid, which is acidic and polar, at codon 465 of the NBN protein (p.Lys465Glu).

Ambry Genetics
Classification: Uncertain significance for Hereditary cancer-predisposing syndrome. Last evaluated: 2021-05-18. Review status: criteria provided, single submitter. Criteria: Ambry Variant Classification Scheme 2023. Collection method: clinical testing. Allele origin: germline.
Comment: The p.K465E variant (also known as c.1393A>G), located in coding exon 10 of the NBN gene, results from an A to G substitution at nucleotide position 1393. The lysine at codon 465 is replaced by glutamic acid, an amino acid with similar properties. This amino acid position is highly conserved in available vertebrate species. In addition, the in silico prediction for this alteration is inconclusive. Since supporting evidence is limited at this time, the clinical significance of this alteration remains unclear.